The following is an entry in ClinVar:

NM_014363.6(SACS):c.7831A>G (p.Thr2611Ala)

Gene: SACS (sacsin molecular chaperone; minus strand). Cytogenetic location: 13q12.12.
Variant type: single nucleotide variant.
Coding change: c.7831A>G on transcript NM_014363.6 (MANE Select); coding-DNA position 7831, A replaced by G.
Protein change: p.Thr2611Ala; replaces threonine 2611 with alanine.
Molecular consequence: missense variant.
Genome position (GRCh38, 1-based): chr13:23,336,045, T>C on the plus strand (A>G on the coding strand, the complement: SACS is on the minus strand). VCF-style: chr13-23336045-T-C. GRCh37 (hg19) VCF-style: chr13-23910184-T-C.
Other names: c.7390A>G, p.Thr2464Ala (NM_001278055.2); short protein forms T2464A, T2611A.
Identifiers: ClinVar variation 2684332 (VCV002684332.1), dbSNP rs2542228049, ClinGen allele CA387518095.

ClinVar aggregate classification (germline): Uncertain significance (1 of 4 stars; one submission).

Submission:

Athena Diagnostics
Classification: Uncertain significance. Last evaluated: 2023-09-01. Review status: criteria provided, single submitter. Criteria: Athena Diagnostics Criteria. Collection method: clinical testing. Allele origin: unknown.
Comment: Available data are insufficient to determine the clinical significance of the variant at this time. This variant has not been reported in large, multi-ethnic general populations. Computational tools predict that this variant is not damaging.